The following is an entry in ClinVar:

NM_133433.4(NIPBL):c.5269del (p.Val1757fs)

Gene: NIPBL (NIPBL cohesin loading factor; plus strand). Cytogenetic location: 5p13.2.
Variant type: Deletion.
Coding change: c.5269del on transcript NM_133433.4 (MANE Select); coding-DNA position 5269, one base deleted (G; older notation c.5269delG).
Protein change: p.Val1757fs; shifts the reading frame from valine 1757.
Molecular consequence: frameshift variant.
Genome position (GRCh38, 1-based): chr5:37,020,818, G deleted. VCF-style (leftmost placement, unchanged base first): chr5-37020817-TG-T. GRCh37 (hg19) VCF-style: chr5-37020919-TG-T.
Other names: c.5269del, p.Val1757fs (NM_015384.5); short protein forms V1757fs.
Identifiers: ClinVar variation 1071194 (VCV001071194.7), dbSNP rs2149696978, ClinGen allele CA2499217839.

ClinVar aggregate classification (germline): Pathogenic (1 of 4 stars; one submission).

Conditions:
Cornelia de Lange syndrome 1 (CDLS1). Also called: Brachmann de Lange syndrome; TYPUS DEGENERATIVUS AMSTELODAMENSIS; NIPBL-Related Cornelia de Lange Syndrome. Identifiers: Orphanet 199, MedGen C4551851, MONDO:0007387, OMIM 122470.

Submission:

Labcorp Genetics (formerly Invitae), Labcorp
Classification: Pathogenic for Cornelia de Lange syndrome 1. Last evaluated: 2018-02-22. Review status: criteria provided, single submitter. Criteria: Invitae Variant Classification Sherloc (09022015). Collection method: clinical testing. Allele origin: germline.
Comment: For these reasons, this variant has been classified as Pathogenic. Loss-of-function variants in NIPBL are known to be pathogenic (PMID: 24038889). This variant has not been reported in the literature in individuals with NIPBL-related disease. This variant is not present in population databases (ExAC no frequency). This sequence change creates a premature translational stop signal (p.Val1757Phefs*7) in the NIPBL gene. It is expected to result in an absent or disrupted protein product.

Literature cited by the submitters: PubMed 24038889.